The following is an entry in ClinVar:

NM_001190737.2(NFIB):c.173_181dup (p.Glu60_Leu61insGlnAspGlu)

Gene: NFIB (nuclear factor I B; minus strand). Cytogenetic location: 9p22.3.
Variant type: Duplication.
Coding change: c.173_181dup on transcript NM_001190737.2 (MANE Select); coding-DNA positions 173 to 181, 9 bases duplicated (AAGATGAGC; older notation c.173_181dupAAGATGAGC).
Protein change: p.Glu60_Leu61insGlnAspGlu.
Molecular consequence: inframe insertion.
Genome position (GRCh38, 1-based): chr9:14,307,370-14,307,378, GCTCATCTT duplicated on the plus strand (AAGATGAGC on the coding strand, the reverse complement: NFIB is on the minus strand). VCF-style (leftmost placement, unchanged base first): chr9-14307369-A-AGCTCATCTT. GRCh37 (hg19) VCF-style: chr9-14307368-A-AGCTCATCTT.
Other names: c.251_259dup, p.Glu86_Leu87insGlnAspGlu (NM_001190738.2); c.239_247dup, p.Glu82_Leu83insGlnAspGlu (NM_001369458.1, NM_001369459.1, NM_001369462.1 and 1 more transcripts); c.161_169dup, p.Glu56_Leu57insGlnAspGlu (NM_001369460.1, NM_001369463.1, NM_001369466.1 and 4 more transcripts); c.173_181dup, p.Glu60_Leu61insGlnAspGlu (NM_001369461.1, NM_001369464.1, NM_001369471.1 and 5 more transcripts); c.146_154dup, p.Glu51_Leu52insGlnAspGlu (NM_001369465.1, NM_001369467.1, NM_001369476.1); c.29_37dup, p.Glu12_Leu13insGlnAspGlu (NM_001369469.1); c.158_166dup, p.Glu55_Leu56insGlnAspGlu (NM_001369474.1).
Identifiers: ClinVar variation 4685028 (VCV004685028.1).

ClinVar aggregate classification (germline): Uncertain significance (1 of 4 stars; one submission).

Submission:

GeneDx
Classification: Uncertain significance. Last evaluated: 2025-07-10. Review status: criteria provided, single submitter. Criteria: GeneDx Variant Classification Process June 2021. Collection method: clinical testing. Allele origin: germline. Affected: yes.
Comment: Not observed at significant frequency in large population cohorts (gnomAD); In-frame insertion of 3 amino acid(s) in a non-repeat region; Has not been previously published as pathogenic or benign to our knowledge